The following is an entry in ClinVar:

NM_005477.3(HCN4):c.3047C>T (p.Pro1016Leu)

Gene: HCN4 (hyperpolarization activated cyclic nucleotide gated potassium channel 4; minus strand). Cytogenetic location: 15q24.1.
Variant type: single nucleotide variant.
Coding change: c.3047C>T on transcript NM_005477.3 (MANE Select); coding-DNA position 3047, C replaced by T.
Protein change: p.Pro1016Leu; replaces proline 1016 with leucine.
Molecular consequence: missense variant.
Genome position (GRCh38, 1-based): chr15:73,323,046, G>A on the plus strand (C>T on the coding strand, the complement: HCN4 is on the minus strand). VCF-style: chr15-73323046-G-A. GRCh37 (hg19) VCF-style: chr15-73615387-G-A.
Other names: short protein forms P1016L.
Identifiers: ClinVar variation 2136992 (VCV002136992.4), dbSNP rs761909019, ClinGen allele CA7648893.
Genomic context (GRCh38, chr15:73,323,046, plus strand): 5'-CTTGGGGGGCCTGGGCTGTGGCCAGGGGGGCTGAGACCTCCTCGGGGAGTAAAGCCTACA[G>A]GGGAAGCCCCCCCAGAGGCCCCTGCCACAAGGGACGGCGGCTCAGGCTGCCGTGGGGGTG-3'
Protein context (NP_005468.1, residues 1006-1026): LVAGASGGAS[Pro1016Leu]VGFTPRGGLS

ClinVar aggregate classification (germline): Uncertain significance (1 of 4 stars; one submission).

Conditions:
Brugada syndrome 8 (BRGDA8). Identifiers: Orphanet 130, MedGen C2751083, MONDO:0013148, OMIM 613123.

Allele frequency attached by ClinVar (database versions not stated): gnomAD 0.00001; ExAC 0.00008.
gnomAD v4.1: 10 of 1,525,456 alleles (0.00066%); highest among the groups gnomAD compares: South Asian, 0.011%; no homozygotes.

Submission:

Labcorp Genetics (formerly Invitae), Labcorp
Classification: Uncertain significance for Brugada syndrome 8. Last evaluated: 2022-10-07. Review status: criteria provided, single submitter. Criteria: Invitae Variant Classification Sherloc (09022015). Collection method: clinical testing. Allele origin: germline.
Comment: The frequency data for this variant in the population databases is considered unreliable, as metrics indicate poor data quality at this position in the gnomAD database. This sequence change replaces proline, which is neutral and non-polar, with leucine, which is neutral and non-polar, at codon 1016 of the HCN4 protein (p.Pro1016Leu). This variant has not been reported in the literature in individuals affected with HCN4-related conditions. Advanced modeling of protein sequence and biophysical properties (such as structural, functional, and spatial information, amino acid conservation, physicochemical variation, residue mobility, and thermodynamic stability) performed at Invitae indicates that this missense variant is not expected to disrupt HCN4 protein function. In summary, the available evidence is currently insufficient to determine the role of this variant in disease. Therefore, it has been classified as a Variant of Uncertain Significance.